The following is an entry in ClinVar:

NM_006030.4(CACNA2D2):c.545C>T (p.Ser182Phe)

Gene: CACNA2D2 (calcium voltage-gated channel auxiliary subunit alpha2delta 2; minus strand). Cytogenetic location: 3p21.31.
Variant type: single nucleotide variant.
Coding change: c.545C>T on transcript NM_006030.4 (MANE Select); coding-DNA position 545, C replaced by T.
Protein change: p.Ser182Phe; replaces serine 182 with phenylalanine.
Molecular consequence: missense variant.
Genome position (GRCh38, 1-based): chr3:50,384,303, G>A on the plus strand (C>T on the coding strand, the complement: CACNA2D2 is on the minus strand). VCF-style: chr3-50384303-G-A. GRCh37 (hg19) VCF-style: chr3-50421734-G-A.
Other names: c.545C>T, p.Ser182Phe (NM_001005505.3, NM_001174051.3); c.338C>T, p.Ser113Phe (NM_001291101.1); c.545C>T (NM_001174051.1); short protein forms S182F, S113F.
Identifiers: ClinVar variation 1046939 (VCV001046939.4), dbSNP rs142099149, ClinGen allele CA2419146.

ClinVar aggregate classification (germline): Uncertain significance. Review status: criteria provided, multiple submitters, no conflicts (2 of 4 stars). 2 submissions from 2 submitters: Uncertain significance (2). Last evaluated 2025-02-15.

Conditions:
Inborn genetic diseases. Identifiers: MedGen C0950123, MeSH D030342.
Developmental and epileptic encephalopathy. Identifiers: MedGen C5779964, MONDO:0100620.

Allele frequency attached by ClinVar (database versions not stated): gnomAD exomes below 0.00001 and 0.00001; ExAC 0.00002; TOPMed 0.00003; gnomAD 0.00004; ESP Exome Variant Server 0.00023.
gnomAD v4.1: 9 of 1,614,016 alleles (0.00056%); highest among the groups gnomAD compares: African/African-American, 0.012%; no homozygotes.

Submissions (2):

Ambry Genetics
Classification: Uncertain significance for Inborn genetic diseases. Last evaluated: 2025-02-15. Review status: criteria provided, single submitter. Criteria: Ambry Variant Classification Scheme 2023. Collection method: clinical testing. Allele origin: germline.

Labcorp Genetics (formerly Invitae), Labcorp
Classification: Uncertain significance for Early-infantile DEE. Last evaluated: 2022-01-15. Review status: criteria provided, single submitter. Criteria: Invitae Variant Classification Sherloc (09022015). Collection method: clinical testing. Allele origin: germline.
Comment: This sequence change replaces serine, which is neutral and polar, with phenylalanine, which is neutral and non-polar, at codon 182 of the CACNA2D2 protein (p.Ser182Phe). This variant is present in population databases (rs142099149, gnomAD 0.02%). This variant has not been reported in the literature in individuals affected with CACNA2D2-related conditions. ClinVar contains an entry for this variant (Variation ID: 1046939). Algorithms developed to predict the effect of missense changes on protein structure and function output the following: SIFT: "Tolerated"; PolyPhen-2: "Benign"; Align-GVGD: "Class C0". The phenylalanine amino acid residue is found in multiple mammalian species, which suggests that this missense change does not adversely affect protein function. In summary, the available evidence is currently insufficient to determine the role of this variant in disease. Therefore, it has been classified as a Variant of Uncertain Significance.